The following is an entry in ClinVar:

NC_000023.10:g.(32360400_32361250)_(32662431_32663080)dup

Gene: DMD (dystrophin; minus strand). Cytogenetic location: Xp21.1.
Variant type: Duplication.
Identifiers: ClinVar variation 3375386 (VCV003375386.1).

ClinVar aggregate classification (germline): Uncertain significance (1 of 4 stars; one submission).

Submission:

Women's Health and Genetics/Laboratory Corporation of America, LabCorp
Classification: Uncertain significance. Last evaluated: 2024-09-18. Review status: criteria provided, single submitter. Criteria: LabCorp Variant Classification Summary - May 2015. Collection method: clinical testing. Allele origin: germline.
Comment: Variant summary: The variant involves the duplication of exons 11-40 in the DMD gene. A presumed nomenclature of c.(1149+1_1150-1)_(5739+1_5740-1)dup has been designated for the purposes of this classification. It is assumed to be a tandem duplication in direct orientation (PMIDs: 25640679, 30054569). This Copy Number Variant (CNV) is predicted to result in an in-frame duplication within this gene. The variant was absent in 15814 control chromosomes (gnomAD v4 SV dataset). The available data on variant occurrences in the general population are insufficient to allow any conclusion about variant significance. c.(1149+1_1150-1)_(5739+1_5740-1)dup has been reported in the literature in one individual affected with Dystrophinopathies (example, Murugan_2010). These data do not allow any conclusion about variant significance. To our knowledge, no experimental evidence demonstrating an impact on protein function has been reported. The following publication has been ascertained in the context of this evaluation (PMID: 20847377). No submitters have cited clinical-significance assessments for this variant to ClinVar. Based on the evidence outlined above, the variant was classified as uncertain significance.

Literature cited by the submitters: PubMed 20847377.